The following is an entry in ClinVar:

NM_001283009.2(RTEL1):c.2468A>G (p.Glu823Gly)

Genes: RTEL1 (regulator of telomere elongation helicase 1; plus strand), RTEL1-TNFRSF6B (RTEL1-TNFRSF6B readthrough (NMD candidate); plus strand). Cytogenetic location: 20q13.33.
Variant type: single nucleotide variant.
Coding change: c.2468A>G on transcript NM_001283009.2 (MANE Select); coding-DNA position 2468, A replaced by G.
Protein change: p.Glu823Gly; replaces glutamic acid 823 with glycine.
Molecular consequence: missense variant. On other transcripts: non-coding transcript variant (1).
Genome position (GRCh38, 1-based): chr20:63,690,859, A>G. VCF-style: chr20-63690859-A-G. GRCh37 (hg19) VCF-style: chr20-62322212-A-G.
Other names: c.1799A>G, p.Glu600Gly (NM_001283010.1); c.2468A>G, p.Glu823Gly (NM_016434.4); c.2540A>G, p.Glu847Gly (NM_032957.5); short protein forms E847G, E823G, E600G.
Identifiers: ClinVar variation 4827711 (VCV004827711.1).

ClinVar aggregate classification (germline): Uncertain significance (1 of 4 stars; one submission).

Conditions:
Inborn genetic diseases. Identifiers: MedGen C0950123, MeSH D030342.

Submission:

Ambry Genetics
Classification: Uncertain significance for Inborn genetic diseases. Last evaluated: 2026-03-08. Review status: criteria provided, single submitter. Criteria: Ambry Variant Classification Scheme 2023. Collection method: clinical testing. Allele origin: germline.
Comment: The p.E823G variant (also known as c.2468A>G), located in coding exon 26 of the RTEL1 gene, results from an A to G substitution at nucleotide position 2468. The glutamic acid at codon 823 is replaced by glycine, an amino acid with similar properties. This amino acid position is conserved. In addition, this alteration is predicted to be tolerated by in silico analysis. Based on the available evidence, the clinical significance of this variant remains unclear.